The following is an entry in ClinVar:

ClinVar aggregate classification (germline): Uncertain significance (1 of 4 stars; one submission).

Conditions:
Dilated cardiomyopathy 1JJ (CMD1JJ). Identifiers: Orphanet 154, MedGen C3808935, MONDO:0014095, OMIM 615235.

gnomAD v4.1: 1 of 1,614,020 alleles (0.000062%); highest among the groups gnomAD compares: African/African-American, 0.0013%; no homozygotes.

Submission:

Labcorp Genetics (formerly Invitae), Labcorp
Classification: Uncertain significance for Dilated cardiomyopathy 1JJ. Last evaluated: 2025-05-18. Review status: criteria provided, single submitter. Criteria: Invitae Variant Classification Sherloc (09022015). Collection method: clinical testing. Allele origin: germline.
Comment: This sequence change replaces glutamic acid, which is acidic and polar, with aspartic acid, which is acidic and polar, at codon 1508 of the LAMA4 protein (p.Glu1508Asp). This variant is not present in population databases (gnomAD no frequency). This variant has not been reported in the literature in individuals affected with LAMA4-related conditions. Invitae Evidence Modeling of protein sequence and biophysical properties (such as structural, functional, and spatial information, amino acid conservation, physicochemical variation, residue mobility, and thermodynamic stability) indicates that this missense variant is not expected to disrupt LAMA4 protein function with a negative predictive value of 80%. In summary, the available evidence is currently insufficient to determine the role of this variant in disease. Therefore, it has been classified as a Variant of Uncertain Significance.

NM_001105206.3(LAMA4):c.4545A>C (p.Glu1515Asp)

Gene: LAMA4 (laminin subunit alpha 4; minus strand). Cytogenetic location: 6q21.
Variant type: single nucleotide variant.
Coding change: c.4545A>C on transcript NM_001105206.3 (MANE Select); coding-DNA position 4545, A replaced by C.
Protein change: p.Glu1515Asp; replaces glutamic acid 1515 with aspartic acid.
Molecular consequence: missense variant.
Genome position (GRCh38, 1-based): chr6:112,120,403, T>G on the plus strand (A>C on the coding strand, the complement: LAMA4 is on the minus strand). VCF-style: chr6-112120403-T-G. GRCh37 (hg19) VCF-style: chr6-112441606-T-G.
Other names: c.4524A>C, p.Glu1508Asp (NM_001105207.3, NM_002290.5); short protein forms E1508D, E1515D.
Identifiers: ClinVar variation 4740783 (VCV004740783.1).